The following is an entry in ClinVar:

NM_006389.5(HYOU1):c.2165+12C>T

Gene: HYOU1 (hypoxia up-regulated 1; minus strand). Cytogenetic location: 11q23.3.
Variant type: single nucleotide variant.
Coding change: c.2165+12C>T on transcript NM_006389.5 (MANE Select); 12 bases into the intron after coding-DNA position 2165, C replaced by T.
Molecular consequence: intron variant.
Genome position (GRCh38, 1-based): chr11:119,048,702, G>A on the plus strand (C>T on the coding strand, the complement: HYOU1 is on the minus strand). VCF-style: chr11-119048702-G-A. GRCh37 (hg19) VCF-style: chr11-118919414-G-A.
Other names: c.2165+12C>T (NM_001130991.3, NM_001411041.1).
Identifiers: ClinVar variation 2954999 (VCV002954999.3), dbSNP rs781984097, ClinGen allele CA229619137.

ClinVar aggregate classification (germline): Uncertain significance (1 of 4 stars; one submission).

Allele frequency attached by ClinVar (database versions not stated): gnomAD exomes 0.00002; TOPMed 0.00003; gnomAD 0.00004.
gnomAD v4.1: 33 of 1,607,524 alleles (0.0021%); highest among the groups gnomAD compares: Non-Finnish European, 0.0026%; no homozygotes.

Submission:

Labcorp Genetics (formerly Invitae), Labcorp
Classification: Uncertain significance. Last evaluated: 2023-03-10. Review status: criteria provided, single submitter. Criteria: Invitae Variant Classification Sherloc (09022015). Collection method: clinical testing. Allele origin: germline.
Comment: In summary, the available evidence is currently insufficient to determine the role of this variant in disease. Therefore, it has been classified as a Variant of Uncertain Significance. This variant has not been reported in the literature in individuals affected with HYOU1-related conditions. This variant is present in population databases (rs781984097, gnomAD 0.004%). This sequence change falls in intron 18 of the HYOU1 gene. It does not directly change the encoded amino acid sequence of the HYOU1 protein.